The following is an entry in ClinVar:

NM_002397.5(MEF2C):c.1135A>C (p.Asn379His)

Gene: MEF2C (myocyte enhancer factor 2C; minus strand). Cytogenetic location: 5q14.3.
Variant type: single nucleotide variant.
Coding change: c.1135A>C on transcript NM_002397.5 (MANE Select); coding-DNA position 1135, A replaced by C.
Protein change: p.Asn379His; replaces asparagine 379 with histidine.
Molecular consequence: missense variant. On other transcripts: intron variant (24).
Genome position (GRCh38, 1-based): chr5:88,722,891, T>G on the plus strand (A>C on the coding strand, the complement: MEF2C is on the minus strand). VCF-style: chr5-88722891-T-G. GRCh37 (hg19) VCF-style: chr5-88018708-T-G.
Other names: c.1105A>C, p.Asn369His (NM_001131005.2); c.1165A>C, p.Asn389His (NM_001193347.1); c.967A>C, p.Asn323His (NM_001193348.1); c.1135A>C, p.Asn379His (NM_001193350.2, NM_001364329.2, NM_001364330.2 and 1 more transcripts); c.1111A>C, p.Asn371His (NM_001308002.3, NM_001364333.2); c.957-62A>C (NM_001364332.2, NM_001193349.3); c.1071-64A>C (NM_001364352.2); c.1071-62A>C (NM_001364343.2); and 10 more; short protein forms N323H, N371H, N253H, N369H, N379H, N389H, N331H.
Identifiers: ClinVar variation 2753117 (VCV002753117.3), dbSNP rs764636524, ClinGen allele CA360422389.

ClinVar aggregate classification (germline): Uncertain significance (1 of 4 stars; one submission).

Conditions:
Neurodevelopmental disorder with hypotonia, stereotypic hand movements, and impaired language. Also called: Intellectual disability, autosomal dominant 20. Identifiers: Orphanet 228384, Orphanet 664410, MedGen C3150700, MONDO:0013266, OMIM 613443.

gnomAD v4.1: 2 of 1,612,010 alleles (0.00012%); highest among the groups gnomAD compares: Non-Finnish European, 0.00017%; no homozygotes.

Submission:

Labcorp Genetics (formerly Invitae), Labcorp
Classification: Uncertain significance for Neurodevelopmental disorder with hypotonia, stereotypic hand movements, and impaired language. Last evaluated: 2024-03-17. Review status: criteria provided, single submitter. Criteria: Invitae Variant Classification Sherloc (09022015). Collection method: clinical testing. Allele origin: germline.
Comment: This sequence change replaces asparagine, which is neutral and polar, with histidine, which is basic and polar, at codon 379 of the MEF2C protein (p.Asn379His). This variant is not present in population databases (gnomAD no frequency). This variant has not been reported in the literature in individuals affected with MEF2C-related conditions. Advanced modeling of protein sequence and biophysical properties (such as structural, functional, and spatial information, amino acid conservation, physicochemical variation, residue mobility, and thermodynamic stability) has been performed at Invitae for this missense variant, however the output from this modeling did not meet the statistical confidence thresholds required to predict the impact of this variant on MEF2C protein function. In summary, the available evidence is currently insufficient to determine the role of this variant in disease. Therefore, it has been classified as a Variant of Uncertain Significance.